The following is an entry in ClinVar:

NM_153676.4(USH1C):c.464G>A (p.Arg155Gln)

Gene: USH1C (USH1 protein network component harmonin; minus strand). Cytogenetic location: 11p15.1.
Variant type: single nucleotide variant.
Coding change: c.464G>A on transcript NM_153676.4 (MANE Select); coding-DNA position 464, G replaced by A.
Protein change: p.Arg155Gln; replaces arginine 155 with glutamine.
Molecular consequence: missense variant. On other transcripts: non-coding transcript variant (1).
Genome position (GRCh38, 1-based): chr11:17,527,255, C>T on the plus strand (G>A on the coding strand, the complement: USH1C is on the minus strand). VCF-style: chr11-17527255-C-T. GRCh37 (hg19) VCF-style: chr11-17548802-C-T.
Other names: c.464G>A, p.Arg155Gln (NM_001297764.2, NM_001440680.1, NM_001440681.1 and 5 more transcripts); c.497G>A, p.Arg166Gln (NM_001440679.1, NM_001440684.1, NM_001440686.1); short protein forms R155Q, R166Q.
Identifiers: ClinVar variation 4799891 (VCV004799891.2).

ClinVar aggregate classification (germline): Uncertain significance. Review status: criteria provided, multiple submitters, no conflicts (2 of 4 stars). 2 submissions from 2 submitters: Uncertain significance (2). Last evaluated 2025-07-28.

gnomAD v4.1: 17 of 1,608,568 alleles (0.0011%); highest among the groups gnomAD compares: South Asian, 0.0044%; no homozygotes.

Submissions (2):

Labcorp Genetics (formerly Invitae), Labcorp
Classification: Uncertain significance. Last evaluated: 2025-07-28. Review status: criteria provided, single submitter. Criteria: Invitae Variant Classification Sherloc (09022015). Collection method: clinical testing. Allele origin: germline.
Comment: This sequence change replaces arginine, which is basic and polar, with glutamine, which is neutral and polar, at codon 155 of the USH1C protein (p.Arg155Gln). This variant is present in population databases (no rsID available, gnomAD 0.006%). This missense change has been observed in individual(s) with Usher syndrome (PMID: 29625443). An algorithm developed to predict the effect of missense changes on protein structure and function (PolyPhen-2) suggests that this variant is likely to be tolerated. In summary, the available evidence is currently insufficient to determine the role of this variant in disease. Therefore, it has been classified as a Variant of Uncertain Significance.

Blueprint Genetics
Classification: Uncertain significance. Last evaluated: 2021-09-20. Review status: criteria provided, single submitter. Criteria: ACMG Guidelines, 2015. Collection method: clinical testing. Allele origin: germline.

Literature cited by the submitters: PubMed 29625443 (cited by Labcorp Genetics (formerly Invitae), Labcorp).